The following is an entry in ClinVar:

NM_173728.4(ARHGEF15):c.479G>A (p.Gly160Asp)

Gene: ARHGEF15 (Rho guanine nucleotide exchange factor 15; plus strand). Cytogenetic location: 17p13.1.
Variant type: single nucleotide variant.
Coding change: c.479G>A on transcript NM_173728.4 (MANE Select); coding-DNA position 479, G replaced by A.
Protein change: p.Gly160Asp; replaces glycine 160 with aspartic acid.
Molecular consequence: missense variant.
Genome position (GRCh38, 1-based): chr17:8,312,518, G>A. VCF-style: chr17-8312518-G-A. GRCh37 (hg19) VCF-style: chr17-8215836-G-A.
Other names: c.479G>A, p.Gly160Asp (NM_025014.2); short protein forms G160D.
Identifiers: ClinVar variation 4739863 (VCV004739863.1).

ClinVar aggregate classification (germline): Uncertain significance (1 of 4 stars; one submission).

Conditions:
Early-infantile DEE. Also called: Early infantile epileptic encephalopathy; Ohtahara syndrome; Early infantile epileptic encephalopathy with suppression bursts. Identifiers: Orphanet 1934, MedGen C0393706, MONDO:0800491.

gnomAD v4.1: 7 of 1,611,398 alleles (0.00043%); highest among the groups gnomAD compares: South Asian, 0.0011%; no homozygotes.

Submission:

Labcorp Genetics (formerly Invitae), Labcorp
Classification: Uncertain significance for Early-infantile DEE. Last evaluated: 2025-08-11. Review status: criteria provided, single submitter. Criteria: Invitae Variant Classification Sherloc (09022015). Collection method: clinical testing. Allele origin: germline.
Comment: This sequence change replaces glycine, which is neutral and non-polar, with aspartic acid, which is acidic and polar, at codon 160 of the ARHGEF15 protein (p.Gly160Asp). This variant is present in population databases (rs536796205, gnomAD 0.003%). This variant has not been reported in the literature in individuals affected with ARHGEF15-related conditions. An algorithm developed to predict the effect of missense changes on protein structure and function (PolyPhen-2) suggests that this variant is likely to be disruptive. In summary, the available evidence is currently insufficient to determine the role of this variant in disease. Therefore, it has been classified as a Variant of Uncertain Significance.